The following is an entry in ClinVar:

ClinVar aggregate classification (germline): Benign (0 of 4 stars; one submission).

Conditions:
DNAH17-related disorder. Also called: DNAH17-related condition.

Allele frequency attached by ClinVar (database versions not stated): gnomAD exomes 0.00138; ExAC 0.00413; gnomAD 0.01212; ESP Exome Variant Server 0.01315; TOPMed 0.01373; 1000 Genomes Project 30x 0.01765; 1000 Genomes Project 0.01777.
gnomAD v4.1: 3,965 of 1,613,966 alleles (0.25%); highest among the groups gnomAD compares: African/African-American, 4.4%; 79 homozygotes.

Submission:

PreventionGenetics, part of Exact Sciences
Classification: Benign for DNAH17-related condition. Last evaluated: 2024-08-30. Review status: no assertion criteria provided. Collection method: clinical testing. Allele origin: germline.
Comment: This variant is classified as benign based on ACMG/AMP sequence variant interpretation guidelines (Richards et al. 2015 PMID: 25741868, with internal and published modifications).

NM_173628.4(DNAH17):c.9942C>T (p.Ala3314=)

Gene: DNAH17 (dynein axonemal heavy chain 17; minus strand). Cytogenetic location: 17q25.3.
Variant type: single nucleotide variant.
Coding change: c.9942C>T on transcript NM_173628.4 (MANE Select); coding-DNA position 9942, C replaced by T.
Protein change: p.Ala3314=; no amino-acid change (alanine 3314 retained).
Molecular consequence: synonymous variant.
Genome position (GRCh38, 1-based): chr17:78,458,600, G>A on the plus strand (C>T on the coding strand, the complement: DNAH17 is on the minus strand). VCF-style: chr17-78458600-G-A. GRCh37 (hg19) VCF-style: chr17-76454682-G-A.
Identifiers: ClinVar variation 3041635 (VCV003041635.2), dbSNP rs35670567, ClinGen allele CA8801076.
Genomic context (GRCh38, chr17:78,458,600, plus strand): 5'-GGTGGTCTCGGGGAGGAGCTGATACCTGTTCGCCAGTAAGATCACCCTGTTCGTGGCATC[G>A]GCCTCTTGCTGACACTTGATTTTCTCAGCTGTTGCTTTTTCAAACGCTGAGGTTAGGTTG-3'
Protein context (NP_775899.3, residues 3304-3324): TAEKIKCQQE[Ala3314=]DATNRVILLA